The following is an entry in ClinVar:

NM_058246.4(DNAJB6):c.236-3C>G

Gene: DNAJB6 (DnaJ heat shock protein family (Hsp40) member B6; plus strand). Cytogenetic location: 7q36.3.
Variant type: single nucleotide variant.
Coding change: c.236-3C>G on transcript NM_058246.4 (MANE Select); 3 bases into the intron before coding-DNA position 236, C replaced by G.
Molecular consequence: intron variant.
Genome position (GRCh38, 1-based): chr7:157,367,370, C>G. VCF-style: chr7-157367370-C-G. GRCh37 (hg19) VCF-style: chr7-157160064-C-G.
Other names: c.236-3C>G (NM_001363676.1, NM_005494.3).
Identifiers: ClinVar variation 2440929 (VCV002440929.7), dbSNP rs762487513, ClinGen allele CA2579753940.

ClinVar aggregate classification (germline): Conflicting classifications of pathogenicity. Review status: criteria provided, conflicting classifications (1 of 4 stars). 2 submissions from 2 submitters: Pathogenic (1); Uncertain significance (1). Last evaluated 2023-04-19.

Conditions:
Autosomal dominant limb-girdle muscular dystrophy type 1D (DNAJB6) (LGMDD1). Also called: MUSCULAR DYSTROPHY, LIMB-GIRDLE, TYPE 1D; MUSCULAR DYSTROPHY, AUTOSOMAL DOMINANT, WITH RIMMED VACUOLES; Autosomal dominant limb-girdle muscular dystrophy type 1D; Muscular dystrophy, limb-girdle, autosomal dominant 1. Identifiers: Orphanet 34516, MedGen C4721885, MONDO:0021018, OMIM 603511.

Submissions (2):

Labcorp Genetics (formerly Invitae), Labcorp
Classification: Pathogenic for Autosomal dominant limb-girdle muscular dystrophy type 1D (DNAJB6). Last evaluated: 2023-04-19. Review status: criteria provided, single submitter. Criteria: Invitae Variant Classification Sherloc (09022015). Collection method: clinical testing. Allele origin: germline.
Comment: For these reasons, this variant has been classified as Pathogenic. Variants that disrupt the consensus splice site are a relatively common cause of aberrant splicing (PMID: 17576681, 9536098). Algorithms developed to predict the effect of sequence changes on RNA splicing suggest that this variant may disrupt the consensus splice site. ClinVar contains an entry for this variant (Variation ID: 2440929). This variant has been observed in individual(s) with clinical features consistent with limb-girdle muscular dystrophy (Invitae). In at least one individual the variant was observed to be de novo. This variant is not present in population databases (gnomAD no frequency). This sequence change falls in intron 4 of the DNAJB6 gene. It does not directly change the encoded amino acid sequence of the DNAJB6 protein. It affects a nucleotide within the consensus splice site.

Revvity Omics, Revvity
Classification: Uncertain significance for Autosomal dominant limb-girdle muscular dystrophy type 1D (DNAJB6). Last evaluated: 2022-05-23. Review status: criteria provided, single submitter. Criteria: ACMG Guidelines, 2015. Collection method: clinical testing. Allele origin: germline.

Literature cited by the submitters: PubMed 17576681 (cited by Labcorp Genetics (formerly Invitae), Labcorp); PubMed 9536098 (cited by Labcorp Genetics (formerly Invitae), Labcorp).